The following is an entry in ClinVar:

ClinVar aggregate classification (germline): Uncertain significance (1 of 4 stars; one submission).

Submission:

Labcorp Genetics (formerly Invitae), Labcorp
Classification: Uncertain significance. Last evaluated: 2023-04-07. Review status: criteria provided, single submitter. Criteria: Invitae Variant Classification Sherloc (09022015). Collection method: clinical testing. Allele origin: germline.
Comment: In summary, the available evidence is currently insufficient to determine the role of this variant in disease. Therefore, it has been classified as a Variant of Uncertain Significance. An algorithm developed to predict the effect of missense changes on protein structure and function (PolyPhen-2) suggests that this variant is likely to be tolerated. This variant has not been reported in the literature in individuals affected with KIF20A-related conditions. This variant is not present in population databases (gnomAD no frequency). This sequence change replaces leucine, which is neutral and non-polar, with phenylalanine, which is neutral and non-polar, at codon 850 of the KIF20A protein (p.Leu850Phe).

NM_005733.3(KIF20A):c.2548C>T (p.Leu850Phe)

Gene: KIF20A (kinesin family member 20A; plus strand). Cytogenetic location: 5q31.2.
Variant type: single nucleotide variant.
Coding change: c.2548C>T on transcript NM_005733.3 (MANE Select); coding-DNA position 2548, C replaced by T.
Protein change: p.Leu850Phe; replaces leucine 850 with phenylalanine.
Molecular consequence: missense variant.
Genome position (GRCh38, 1-based): chr5:138,187,288, C>T. VCF-style: chr5-138187288-C-T. GRCh37 (hg19) VCF-style: chr5-137522977-C-T.
Other names: short protein forms L850F.
Identifiers: ClinVar variation 2882049 (VCV002882049.3), dbSNP rs2482194154, ClinGen allele CA361120193.